The following is an entry in ClinVar:

ClinVar aggregate classification (germline): Uncertain significance (1 of 4 stars; one submission).

Allele frequency attached by ClinVar (database versions not stated): gnomAD exomes below 0.00001.
gnomAD v4.1: 1 of 1,614,134 alleles (0.000062%); highest among the groups gnomAD compares: Non-Finnish European, 0.000085%; no homozygotes.

Submission:

Labcorp Genetics (formerly Invitae), Labcorp
Classification: Uncertain significance. Last evaluated: 2023-03-25. Review status: criteria provided, single submitter. Criteria: Invitae Variant Classification Sherloc (09022015). Collection method: clinical testing. Allele origin: germline.
Comment: This sequence change replaces leucine, which is neutral and non-polar, with proline, which is neutral and non-polar, at codon 851 of the CSF2RB protein (p.Leu851Pro). This variant is not present in population databases (gnomAD no frequency). This variant has not been reported in the literature in individuals affected with CSF2RB-related conditions. Advanced modeling of protein sequence and biophysical properties (such as structural, functional, and spatial information, amino acid conservation, physicochemical variation, residue mobility, and thermodynamic stability) performed at Invitae indicates that this missense variant is not expected to disrupt CSF2RB protein function. In summary, the available evidence is currently insufficient to determine the role of this variant in disease. Therefore, it has been classified as a Variant of Uncertain Significance.

NM_000395.3(CSF2RB):c.2552T>C (p.Leu851Pro)

Gene: CSF2RB (colony stimulating factor 2 receptor subunit beta; plus strand). Cytogenetic location: 22q12.3.
Variant type: single nucleotide variant.
Coding change: c.2552T>C on transcript NM_000395.3 (MANE Select); coding-DNA position 2552, T replaced by C.
Protein change: p.Leu851Pro; replaces leucine 851 with proline.
Molecular consequence: missense variant.
Genome position (GRCh38, 1-based): chr22:36,938,360, T>C. VCF-style: chr22-36938360-T-C. GRCh37 (hg19) VCF-style: chr22-37334402-T-C.
Other names: c.2570T>C, p.Leu857Pro (NM_001410827.1); short protein forms L857P, L851P.
Identifiers: ClinVar variation 2849319 (VCV002849319.3), dbSNP rs1941321570, ClinGen allele CA411411719.
Genomic context (GRCh38, chr22:36,938,360, plus strand): 5'-GCCCTCTCTCGCTCCGGAGTAAACCTTCTTCCCCGGGACCCGGTCCTGAGATCAAGAACC[T>C]AGACCAGGCTTTTCAAGTCAAGAAGCCCCCAGGCCAGGCTGTGCCCCAGGTGCCCGTCAT-3'
Protein context (NP_000386.1, residues 841-861): SPGPGPEIKN[Leu851Pro]DQAFQVKKPP